The following is an entry in ClinVar:

ClinVar aggregate classification (germline): Uncertain significance. Review status: criteria provided, multiple submitters, no conflicts (2 of 4 stars). 2 submissions from 2 submitters: Uncertain significance (2). Last evaluated 2023-01-24.

Conditions:
Inborn genetic diseases. Identifiers: MedGen C0950123, MeSH D030342.
Mosaic variegated aneuploidy syndrome 1 (MVA1). Also called: Warburton-Anyane-Yeboa syndrome. Identifiers: Orphanet 1052, MedGen C1850343, MONDO:0009759, OMIM 257300.

gnomAD v4.1: 3 of 1,612,986 alleles (0.00019%); highest among the groups gnomAD compares: Non-Finnish European, 0.00025%; no homozygotes.

Submissions (2):

Ambry Genetics
Classification: Uncertain significance for Inborn genetic diseases. Last evaluated: 2023-01-24. Review status: criteria provided, single submitter. Criteria: Ambry Variant Classification Scheme 2023. Collection method: clinical testing. Allele origin: germline.
Comment: The p.C503Y variant (also known as c.1508G>A), located in coding exon 11 of the BUB1B gene, results from a G to A substitution at nucleotide position 1508. The cysteine at codon 503 is replaced by tyrosine, an amino acid with highly dissimilar properties. This amino acid position is conserved. In addition, this alteration is predicted to be tolerated by in silico analysis. Since supporting evidence is limited at this time, the clinical significance of this alteration remains unclear.

Labcorp Genetics (formerly Invitae), Labcorp
Classification: Uncertain significance for Mosaic variegated aneuploidy syndrome 1. Last evaluated: 2019-09-23. Review status: criteria provided, single submitter. Criteria: Invitae Variant Classification Sherloc (09022015). Collection method: clinical testing. Allele origin: germline.
Comment: In summary, the available evidence is currently insufficient to determine the role of this variant in disease. Therefore, it has been classified as a Variant of Uncertain Significance. Algorithms developed to predict the effect of missense changes on protein structure and function (SIFT, PolyPhen-2, Align-GVGD) all suggest that this variant is likely to be tolerated, but these predictions have not been confirmed by published functional studies and their clinical significance is uncertain. This variant has not been reported in the literature in individuals with BUB1B-related conditions. This variant is not present in population databases (ExAC no frequency). This sequence change replaces cysteine with tyrosine at codon 503 of the BUB1B protein (p.Cys503Tyr). The cysteine residue is weakly conserved and there is a large physicochemical difference between cysteine and tyrosine.

NM_001211.6(BUB1B):c.1508G>A (p.Cys503Tyr)

Gene: BUB1B (BUB1 mitotic checkpoint serine/threonine kinase B; plus strand). Cytogenetic location: 15q15.1.
Variant type: single nucleotide variant.
Coding change: c.1508G>A on transcript NM_001211.6 (MANE Select); coding-DNA position 1508, G replaced by A.
Protein change: p.Cys503Tyr; replaces cysteine 503 with tyrosine.
Molecular consequence: missense variant.
Genome position (GRCh38, 1-based): chr15:40,200,350, G>A. VCF-style: chr15-40200350-G-A. GRCh37 (hg19) VCF-style: chr15-40492551-G-A.
Other names: short protein forms C503Y.
Identifiers: ClinVar variation 942278 (VCV000942278.13), dbSNP rs765632100, ClinGen allele CA391690322.
Genomic context (GRCh38, chr15:40,200,350, plus strand): 5'-CTTCCGAGTCTCAGAAAATACCAGGAATGACTCTATCCAGTTCTGTTTGTCAAGTAAACT[G>A]TTGTGCCAGGTAAGACTACATAGGTGGAAGGGACAATGCATATAGGAGGGCATTTAGAAC-3'
Protein context (NP_001202.5, residues 493-513): TLSSSVCQVN[Cys503Tyr]CARETSLAEN